The following is an entry in ClinVar:

ClinVar aggregate classification (germline): Uncertain significance (1 of 4 stars; one submission).

Conditions:
Charcot-Marie-Tooth disease axonal type 2O. Also called: Charcot-Marie-Tooth Neuropathy Type 2O; CHARCOT-MARIE-TOOTH NEUROPATHY, AXONAL, TYPE 2O; CHARCOT-MARIE-TOOTH DISEASE, AXONAL, AUTOSOMAL DOMINANT, TYPE 2O; Charcot-Marie-Tooth disease, axonal, type 20. Identifiers: Orphanet 284232, MedGen C3280220, MONDO:0013644, OMIM 614228.

Submission:

Labcorp Genetics (formerly Invitae), Labcorp
Classification: Uncertain significance for Charcot-Marie-Tooth disease axonal type 2O. Last evaluated: 2022-08-09. Review status: criteria provided, single submitter. Criteria: Invitae Variant Classification Sherloc (09022015). Collection method: clinical testing. Allele origin: germline.
Comment: In summary, the available evidence is currently insufficient to determine the role of this variant in disease. Therefore, it has been classified as a Variant of Uncertain Significance. Advanced modeling of protein sequence and biophysical properties (such as structural, functional, and spatial information, amino acid conservation, physicochemical variation, residue mobility, and thermodynamic stability) performed at Invitae indicates that this missense variant is not expected to disrupt DYNC1H1 protein function. ClinVar contains an entry for this variant (Variation ID: 1406288). This variant has not been reported in the literature in individuals affected with DYNC1H1-related conditions. This variant is not present in population databases (gnomAD no frequency). This sequence change replaces asparagine, which is neutral and polar, with threonine, which is neutral and polar, at codon 102 of the DYNC1H1 protein (p.Asn102Thr).

NM_001376.5(DYNC1H1):c.305A>C (p.Asn102Thr)

Gene: DYNC1H1 (dynein cytoplasmic 1 heavy chain 1; plus strand). Cytogenetic location: 14q32.31.
Variant type: single nucleotide variant.
Coding change: c.305A>C on transcript NM_001376.5 (MANE Select); coding-DNA position 305, A replaced by C.
Protein change: p.Asn102Thr; replaces asparagine 102 with threonine.
Molecular consequence: missense variant.
Genome position (GRCh38, 1-based): chr14:101,975,760, A>C. VCF-style: chr14-101975760-A-C. GRCh37 (hg19) VCF-style: chr14-102442097-A-C.
Other names: short protein forms N102T.
Identifiers: ClinVar variation 1406288 (VCV001406288.7), dbSNP rs1002004066, ClinGen allele CA266970302.
Genomic context (GRCh38, chr14:101,975,760, plus strand): 5'-TATGATTTGTAGAGGACGTCGGTGATGAAGGAGAAGAAGAAAAAGAATTCATTTCCTATA[A>C]CATCAACATAGACATTCATTATGGGGTTAAATCCAATAGGTGAGTAGTACAAATATTACC-3'
Protein context (NP_001367.2, residues 92-112): GEEEKEFISY[Asn102Thr]INIDIHYGVK